The following is an entry in ClinVar:

ClinVar aggregate classification (germline): Uncertain significance. Review status: criteria provided, multiple submitters, no conflicts (2 of 4 stars). 2 submissions from 2 submitters: Uncertain significance (2). Last evaluated 2024-10-31.

Conditions:
Inborn genetic diseases. Identifiers: MedGen C0950123, MeSH D030342.

Allele frequency attached by ClinVar (database versions not stated): ESP Exome Variant Server 0.00054; ExAC 0.00014.
gnomAD v4.1: 160 of 1,614,244 alleles (0.0099%); highest among the groups gnomAD compares: African/African-American, 0.19%; no homozygotes.

Submissions (2):

Dasa
Classification: Uncertain significance. Last evaluated: 2024-10-31. Review status: criteria provided, single submitter. Criteria: DASA Assertion Criteria. Collection method: clinical testing. Allele origin: germline.
Comment: NM_021035.3(ZNFX1):c.5415T>G (p.Asp1805Glu) is a missense variant that results in the substitution of aspartic acid with glutamic acid. This variant is rare in population databases. Computational prediction algorithms are consistent with a benign effect. The currently available literature and clinical evidence are not sufficient to establish a definitive association between this variant and the reported condition. Therefore, this variant is classified as a variant of uncertain significance.

Ambry Genetics
Classification: Uncertain significance for Inborn genetic diseases. Last evaluated: 2021-07-26. Review status: criteria provided, single submitter. Criteria: Ambry Variant Classification Scheme 2023. Collection method: clinical testing. Allele origin: germline.

NM_021035.3(ZNFX1):c.5415T>G (p.Asp1805Glu)

Gene: ZNFX1 (zinc finger NFX1-type containing 1; minus strand). Cytogenetic location: 20q13.13.
Variant type: single nucleotide variant.
Coding change: c.5415T>G on transcript NM_021035.3 (MANE Select); coding-DNA position 5415, T replaced by G.
Protein change: p.Asp1805Glu; replaces aspartic acid 1805 with glutamic acid.
Molecular consequence: missense variant.
Genome position (GRCh38, 1-based): chr20:49,247,609, A>C on the plus strand (T>G on the coding strand, the complement: ZNFX1 is on the minus strand). VCF-style: chr20-49247609-A-C. GRCh37 (hg19) VCF-style: chr20-47864146-A-C.
Other names: short protein forms D1805E.
Identifiers: ClinVar variation 2410818 (VCV002410818.4), dbSNP rs140020490, ClinGen allele CA9901738.